The following is an entry in ClinVar:

NM_000553.6(WRN):c.3306G>T (p.Lys1102Asn)

Gene: WRN (WRN RecQ like helicase; plus strand). Cytogenetic location: 8p12.
Variant type: single nucleotide variant.
Coding change: c.3306G>T on transcript NM_000553.6 (MANE Select); coding-DNA position 3306, G replaced by T.
Protein change: p.Lys1102Asn; replaces lysine 1102 with asparagine.
Molecular consequence: missense variant.
Genome position (GRCh38, 1-based): chr8:31,142,698, G>T. VCF-style: chr8-31142698-G-T. GRCh37 (hg19) VCF-style: chr8-31000214-G-T.
Other names: short protein forms K1102N.
Identifiers: ClinVar variation 2773049 (VCV002773049.3), dbSNP rs2536033574, ClinGen allele CA370923521.

ClinVar aggregate classification (germline): Uncertain significance (1 of 4 stars; one submission).

Conditions:
Werner syndrome (WRN). Identifiers: Orphanet 902, MedGen C0043119, MONDO:0010196, OMIM 277700.

Submission:

Labcorp Genetics (formerly Invitae), Labcorp
Classification: Uncertain significance for Werner syndrome. Last evaluated: 2023-06-05. Review status: criteria provided, single submitter. Criteria: Invitae Variant Classification Sherloc (09022015). Collection method: clinical testing. Allele origin: germline.
Comment: In summary, the available evidence is currently insufficient to determine the role of this variant in disease. Therefore, it has been classified as a Variant of Uncertain Significance. An algorithm developed to predict the effect of missense changes on protein structure and function (PolyPhen-2) suggests that this variant is likely to be tolerated. This variant has not been reported in the literature in individuals affected with WRN-related conditions. This variant is not present in population databases (gnomAD no frequency). This sequence change replaces lysine, which is basic and polar, with asparagine, which is neutral and polar, at codon 1102 of the WRN protein (p.Lys1102Asn).